The following is an entry in ClinVar:

NM_000377.3(WAS):c.583del (p.Leu195fs)

Gene: WAS (WASP actin nucleation promoting factor; plus strand). Cytogenetic location: Xp11.23.
Variant type: Deletion.
Coding change: c.583del on transcript NM_000377.3 (MANE Select); coding-DNA position 583, one base deleted (C; older notation c.583delC).
Protein change: p.Leu195fs; shifts the reading frame from leucine 195.
Molecular consequence: frameshift variant.
Genome position (GRCh38, 1-based): chrX:48,686,804, C deleted; the last of 3 consecutive C bases (chrX:48,686,802-48,686,804); deleting any one gives the same sequence. VCF-style (leftmost placement, unchanged base first): chrX-48686801-TC-T. GRCh37 (hg19) VCF-style: chrX-48545190-TC-T.
Other names: c.583del, p.Leu195fs (NM_001438876.1, NM_001438877.1, NM_001438878.1 and 1 more transcripts); short protein forms L195fs.
Identifiers: ClinVar variation 4786504 (VCV004786504.1).

ClinVar aggregate classification (germline): Pathogenic (1 of 4 stars; one submission).

Conditions:
Thrombocytopenia 1. Also called: THROMBOCYTOPENIA, X-LINKED, 1; X-Linked Thrombocytopenia (XLT); X-linked thrombocytopenia with normal platelets. Identifiers: Orphanet 268322, Orphanet 852, MedGen C1839163, MONDO:0010743, OMIM 313900.
Wiskott-Aldrich syndrome (WAS). Also called: ALDRICH SYNDROME; IMMUNODEFICIENCY 2; WISKOTT-ALDRICH SYNDROME 1; Wiskott-aldrich syndrome, somatic. Identifiers: Orphanet 906, MedGen C0043194, MONDO:0010518, OMIM 301000.
X-linked severe congenital neutropenia (SCNX). Identifiers: Orphanet 86788, MedGen C1845987, MONDO:0010294, OMIM 300299.

Submission:

Labcorp Genetics (formerly Invitae), Labcorp
Classification: Pathogenic for Wiskott-Aldrich syndrome; X-linked severe congenital neutropenia; Thrombocytopenia 1. Last evaluated: 2025-10-23. Review status: criteria provided, single submitter. Criteria: Invitae Variant Classification Sherloc (09022015). Collection method: clinical testing. Allele origin: germline.
Comment: This sequence change creates a premature translational stop signal (p.Leu195Trpfs*66) in the WAS gene. It is expected to result in an absent or disrupted protein product. Loss-of-function variants in WAS are known to be pathogenic (PMID: 15284122). This variant is not present in population databases (gnomAD no frequency). This variant has not been reported in the literature in individuals affected with WAS-related conditions. For these reasons, this variant has been classified as Pathogenic.

Literature cited by the submitters: PubMed 15284122.